The following is an entry in ClinVar:

NM_000141.5(FGFR2):c.455_456delinsTT (p.Arg152Ile)

Gene: FGFR2 (fibroblast growth factor receptor 2; minus strand). Cytogenetic location: 10q26.13.
Variant type: Indel.
Coding change: c.455_456delinsTT on transcript NM_000141.5 (MANE Select); coding-DNA positions 455 to 456, GA replaced by TT.
Protein change: p.Arg152Ile; replaces arginine 152 with isoleucine.
Molecular consequence: missense variant. On other transcripts: non-coding transcript variant (1).
Genome position (GRCh38, 1-based): chr10:121,551,458-121,551,459, TC replaced by AA on the plus strand (GA replaced by TT on the coding strand, the reverse complement: FGFR2 is on the minus strand). VCF-style: chr10-121551458-TC-AA. GRCh37 (hg19) VCF-style: chr10-123310972-TC-AA.
Other names: c.455_456delGAinsTT, p.Arg152Ile (NM_000141.4); c.455_456delinsTT, p.Arg152Ile (NM_001144913.1, NM_001144914.1, NM_001144917.2 and 2 more transcripts); c.188_189delinsTT, p.Arg63Ile (NM_001144915.2, NM_001144919.2); c.110_111delinsTT, p.Gly37Val (NM_001144916.2, NM_001144918.2); c.188_189delGAinsTT, p.Arg63Ile (NM_023029.3); short protein forms G37V, R152I, R63I.
Identifiers: ClinVar variation 3364700 (VCV003364700.1).
Genomic context (GRCh38, chr10:121,551,458, plus strand): 5'-GGCCGCAGGCACAGCATGGAGCCGCTTTTCCATCTTTTCTGTGTTGGTCCAGTATGGTGC[TC>AA]CTGTTTTGGAAAACAGTATTAGAATGTATACTGATGGACAGCTTCCCCTCCATGAGTAAA-3'
Protein context (NP_000132.3, residues 142-162): DFVSENSNNK[Arg152Ile]APYWTNTEKM

ClinVar aggregate classification (germline): Uncertain significance (1 of 4 stars; one submission).

Submission:

GeneDx
Classification: Uncertain significance. Last evaluated: 2023-11-20. Review status: criteria provided, single submitter. Criteria: GeneDx Variant Classification Process June 2021. Collection method: clinical testing. Allele origin: germline. Affected: yes.
Comment: Not observed at significant frequency in large population cohorts (gnomAD); In silico analysis supports a deleterious effect on protein structure/function; Has not been previously published as pathogenic or benign to our knowledge